The following is an entry in ClinVar:

ClinVar aggregate classification (germline): Benign. Review status: criteria provided, multiple submitters, no conflicts (2 of 4 stars). 4 submissions from 4 submitters: Benign (4). Last evaluated 2026-01-27.

Conditions:
Phosphoenolpyruvate carboxykinase deficiency, cytosolic (PCKDC). Also called: PCK1 DEFICIENCY, CYTOSOLIC; PEPCK DEFICIENCY, CYTOSOLIC. Identifiers: Orphanet 2880, MedGen C5574905, MONDO:0009866, OMIM 261680.

Allele frequency attached by ClinVar (database versions not stated): 1000 Genomes Project 0.04014; gnomAD 0.04047 and 0.04342; 1000 Genomes Project 30x 0.04419; TOPMed 0.04576; ESP Exome Variant Server 0.04798.
gnomAD v4.1: 12,397 of 1,613,156 alleles (0.77%); highest among the groups gnomAD compares: African/African-American, 14%; 842 homozygotes.

Submissions (4):

Labcorp Genetics (formerly Invitae), Labcorp
Classification: Benign. Last evaluated: 2026-01-27. Review status: criteria provided, single submitter. Criteria: Invitae Variant Classification Sherloc (09022015). Collection method: clinical testing. Allele origin: germline.

GeneDx
Classification: Benign. Last evaluated: 2021-05-05. Review status: criteria provided, single submitter. Criteria: GeneDx Variant Classification Process June 2021. Collection method: clinical testing. Allele origin: germline. Affected: yes.

Illumina Laboratory Services, Illumina
Classification: Benign for Phosphoenolpyruvate carboxykinase deficiency, cytosolic. Last evaluated: 2018-01-12. Review status: criteria provided, single submitter. Criteria: ICSL Variant Classification Criteria 13 December 2019. Collection method: clinical testing. Allele origin: germline.
Comment: This variant was observed in the ICSL laboratory as part of a predisposition screen in an ostensibly healthy population. It had not been previously curated by ICSL or reported in the Human Gene Mutation Database (HGMD: prior to June 1st, 2018), and was therefore a candidate for classification through an automated scoring system. Utilizing variant allele frequency, disease prevalence and penetrance estimates, and inheritance mode, an automated score was calculated to assess if this variant is too frequent to cause the disease. Based on the score and internal cut-off values, a variant classified as benign is not then subjected to further curation. The score for this variant resulted in a classification of benign for this disease.

Breakthrough Genomics
Classification: Benign. Review status: criteria provided, single submitter. Criteria: ACMG Guidelines, 2015. Collection method: not provided. Allele origin: germline. Inheritance: Autosomal recessive inheritance. Affected: yes.

NM_002591.4(PCK1):c.873C>T (p.Thr291=)

Gene: PCK1 (phosphoenolpyruvate carboxykinase 1; plus strand). Cytogenetic location: 20q13.31.
Variant type: single nucleotide variant.
Coding change: c.873C>T on transcript NM_002591.4 (MANE Select); coding-DNA position 873, C replaced by T.
Protein change: p.Thr291=; no amino-acid change (threonine 291 retained).
Molecular consequence: synonymous variant.
Genome position (GRCh38, 1-based): chr20:57,563,639, C>T. VCF-style: chr20-57563639-C-T. GRCh37 (hg19) VCF-style: chr20-56138695-C-T.
Identifiers: ClinVar variation 338884 (VCV000338884.14), dbSNP rs28359547, ClinGen allele CA9922192.
Genomic context (GRCh38, chr20:57,563,639, plus strand): 5'-CAACCCTGAGGGTGAGAAGAAGTACCTGGCGGCCGCATTTCCCAGCGCCTGCGGGAAGAC[C>T]AACCTGGCCATGATGAACCCCAGCCTCCCCGGGTGGAAGGTTGAGTGCGTCGGGGATGAC-3'
Protein context (NP_002582.3, residues 281-301): AAAFPSACGK[Thr291=]NLAMMNPSLP